The following is an entry in ClinVar:

NM_000180.4(GUCY2D):c.2929A>T (p.Ile977Leu)

Gene: GUCY2D (guanylate cyclase 2D, retinal; plus strand). Cytogenetic location: 17p13.1.
Variant type: single nucleotide variant.
Coding change: c.2929A>T on transcript NM_000180.4 (MANE Select); coding-DNA position 2929, A replaced by T.
Protein change: p.Ile977Leu; replaces isoleucine 977 with leucine.
Molecular consequence: missense variant.
Genome position (GRCh38, 1-based): chr17:8,015,487, A>T. VCF-style: chr17-8015487-A-T. GRCh37 (hg19) VCF-style: chr17-7918805-A-T.
Other names: short protein forms I977L.
Identifiers: ClinVar variation 2117114 (VCV002117114.5), dbSNP rs2545426962, ClinGen allele CA397954965.

ClinVar aggregate classification (germline): Uncertain significance. Review status: criteria provided, multiple submitters, no conflicts (2 of 4 stars). 2 submissions from 2 submitters: Uncertain significance (2). Last evaluated 2022-03-26.

Conditions:
Leber congenital amaurosis 1 (LCA1). Also called: AMAUROSIS CONGENITA OF LEBER I; RETINAL BLINDNESS, CONGENITAL; Congenital absence of the rods and cones; Leber's congenital tapetoretinal degeneration; Leber's congenital tapetoretinal dysplasia. Identifiers: Orphanet 65, MedGen C2931258, MONDO:0008764, OMIM 204000.
Cone-rod dystrophy 6 (CORD6). Also called: Cone dystrophy progressive; RETINAL CONE DYSTROPHY 2. Identifiers: Orphanet 1872, MedGen C1866293, MONDO:0011143, OMIM 601777.

Submissions (2):

Labcorp Genetics (formerly Invitae), Labcorp
Classification: Uncertain significance for Leber congenital amaurosis 1; Cone-rod dystrophy 6. Last evaluated: 2022-03-26. Review status: criteria provided, single submitter. Criteria: Invitae Variant Classification Sherloc (09022015). Collection method: clinical testing. Allele origin: germline.
Comment: In summary, the available evidence is currently insufficient to determine the role of this variant in disease. Therefore, it has been classified as a Variant of Uncertain Significance. Algorithms developed to predict the effect of missense changes on protein structure and function are either unavailable or do not agree on the potential impact of this missense change (SIFT: "Deleterious"; PolyPhen-2: "Probably Damaging"; Align-GVGD: "Class C0"). This variant has not been reported in the literature in individuals affected with GUCY2D-related conditions. This variant is not present in population databases (gnomAD no frequency). This sequence change replaces isoleucine, which is neutral and non-polar, with leucine, which is neutral and non-polar, at codon 977 of the GUCY2D protein (p.Ile977Leu).

Blueprint Genetics
Classification: Uncertain significance. Last evaluated: 2021-10-19. Review status: criteria provided, single submitter. Criteria: ACMG Guidelines, 2015. Collection method: clinical testing. Allele origin: germline.